The following is an entry in ClinVar:

ClinVar aggregate classification (germline): Uncertain significance. Review status: criteria provided, multiple submitters, no conflicts (2 of 4 stars). 3 submissions from 3 submitters: Uncertain significance (3). Last evaluated 2023-03-01.

Conditions:
Inborn genetic diseases. Identifiers: MedGen C0950123, MeSH D030342.
Cataract 33. Also called: CATARACT 33, CORTICAL. Identifiers: Orphanet 91492, MedGen C3808107, MONDO:0012665, OMIM 611391.

gnomAD v4.1: 54 of 1,614,076 alleles (0.0033%); highest among the groups gnomAD compares: Non-Finnish European, 0.0042%; no homozygotes.

Submissions (3):

Ambry Genetics
Classification: Uncertain significance for Inborn genetic diseases. Last evaluated: 2023-03-01. Review status: criteria provided, single submitter. Criteria: Ambry Variant Classification Scheme 2023. Collection method: clinical testing. Allele origin: germline.

Dubai Health Genomic Medicine Center, Dubai Health
Classification: Uncertain significance for Cataract 33. Last evaluated: 2020-10-18. Review status: criteria provided, single submitter. Criteria: ACMG Guidelines, 2015. Collection method: clinical testing. Allele origin: germline. Affected: yes.
Comment: The p.Val480Leu missense variant in BFSP1 has not been previously reported in individuals with disease but was identified in 8/129100 ( 0.006% 0 homozygotes) European Non Finnish alleles in the Genome Aggregation Database (gnomAD) and in 1/1985 (0.05%) alleles in the Greater Middle East (GME) variome database. Computational prediction tools and conservation analyses do not suggest an impact to protein function though this information is not predictive enough to rule out pathogenicity. In summary additional information is needed to fully assess the clinical significance of this variant.

Breakthrough Genomics
Classification: Uncertain significance. Review status: criteria provided, single submitter. Criteria: ACMG Guidelines, 2015. Collection method: not provided. Allele origin: germline. Inheritance: Autosomal dominant inheritance. Affected: yes.

NM_001195.5(BFSP1):c.1438G>T (p.Val480Leu)

Gene: BFSP1 (beaded filament structural protein 1; minus strand). Cytogenetic location: 20p12.1.
Variant type: single nucleotide variant.
Coding change: c.1438G>T on transcript NM_001195.5 (MANE Select); coding-DNA position 1438, G replaced by T.
Protein change: p.Val480Leu; replaces valine 480 with leucine.
Molecular consequence: missense variant.
Genome position (GRCh38, 1-based): chr20:17,494,634, C>A on the plus strand (G>T on the coding strand, the complement: BFSP1 is on the minus strand). VCF-style: chr20-17494634-C-A. GRCh37 (hg19) VCF-style: chr20-17475279-C-A.
Other names: c.1063G>T, p.Val355Leu (NM_001161705.2); c.1021G>T, p.Val341Leu (NM_001278606.2, NM_001278608.2); c.1105G>T, p.Val369Leu (NM_001278607.2); c.1438G>T (NM_001195.3); short protein forms V341L, V355L, V369L, V480L.
Identifiers: ClinVar variation 1301590 (VCV001301590.5), dbSNP rs767136257, ClinGen allele CA9772059.
Genomic context (GRCh38, chr20:17,494,634, plus strand): 5'-CAACAGAAACAGCCACCCCACCTTTAGCTGTGATGGAGGAGACATAGAATCTAGGGTCCA[C>A]GTAATTGGCATCCCCTGTGACCAGCACGTGCCGCTCTTTGGTGTAGAGCTCAGTGGGGGT-3'
Protein context (NP_001186.1, residues 470-490): HVLVTGDANY[Val480Leu]DPRFYVSSIT